The following is an entry in ClinVar:

ClinVar aggregate classification (germline): Likely benign. Review status: criteria provided, multiple submitters, no conflicts (2 of 4 stars). 2 submissions from 2 submitters: Likely benign (2). Last evaluated 2025-12-14.

Conditions:
Meckel-Gruber syndrome. Also called: Dysencephalia splachnocystica; GRUBER SYNDROME; DYSENCEPHALIA SPLANCHNOCYSTICA. Identifiers: Orphanet 564, MedGen C0265215, MONDO:0018921.
Nephronophthisis. Also called: Juvenile Nephronophthisis. Identifiers: Orphanet 655, MedGen C0687120, MONDO:0019005, HP:0000090.
Joubert syndrome. Also called: JOUBERT-BOLTSHAUSER SYNDROME; Familial aplasia of the vermis; CEREBELLOPARENCHYMAL DISORDER IV. Identifiers: Orphanet 475, MedGen C5979921, MONDO:0018772.

Allele frequency attached by ClinVar (database versions not stated): gnomAD exomes below 0.00001; TOPMed below 0.00001; gnomAD 0.00001 and 0.00003.
gnomAD v4.1: 2 of 1,569,476 alleles (0.00013%); highest among the groups gnomAD compares: African/African-American, 0.0027%; no homozygotes.

Submissions (2):

Labcorp Genetics (formerly Invitae), Labcorp
Classification: Likely benign for Joubert syndrome; Meckel-Gruber syndrome; Nephronophthisis. Last evaluated: 2025-12-14. Review status: criteria provided, single submitter. Criteria: Invitae Variant Classification Sherloc (09022015). Collection method: clinical testing. Allele origin: germline.

GeneDx
Classification: Likely benign. Last evaluated: 2016-07-05. Review status: criteria provided, single submitter. Criteria: GeneDx Variant Classification (06012015). Collection method: clinical testing. Allele origin: germline. Affected: yes.
Comment: This variant is considered likely benign or benign based on one or more of the following criteria: it is a conservative change, it occurs at a poorly conserved position in the protein, it is predicted to be benign by multiple in silico algorithms, and/or has population frequency not consistent with disease.

NM_025114.4(CEP290):c.7034+10G>A

Gene: CEP290 (centrosomal protein 290; minus strand). Cytogenetic location: 12q21.32.
Variant type: single nucleotide variant.
Coding change: c.7034+10G>A on transcript NM_025114.4 (MANE Select); 10 bases into the intron after coding-DNA position 7034, G replaced by A.
Molecular consequence: intron variant.
Genome position (GRCh38, 1-based): chr12:88,054,330, C>T on the plus strand (G>A on the coding strand, the complement: CEP290 is on the minus strand). VCF-style: chr12-88054330-C-T. GRCh37 (hg19) VCF-style: chr12-88448107-C-T.
Identifiers: ClinVar variation 387416 (VCV000387416.13), dbSNP rs1057522783, ClinGen allele CA16607422.
Genomic context (GRCh38, chr12:88,054,330, plus strand): 5'-GAGTATATAAAAACTAATAATTTTTTTTTTAAAGAAAAAAACAAAGTAGTCATATGAATA[C>T]ATGATGTACCTAAGAACTTGAAGCTCCCGTTTAAGGCCTTGCTCTGTCTCAGCACCTTCA-3'